The following is an entry in ClinVar:

NM_003334.4(UBA1):c.349T>G (p.Tyr117Asp)

Gene: UBA1 (ubiquitin like modifier activating enzyme 1; plus strand). Cytogenetic location: Xp11.3.
Variant type: single nucleotide variant.
Coding change: c.349T>G on transcript NM_003334.4 (MANE Select); coding-DNA position 349, T replaced by G.
Protein change: p.Tyr117Asp; replaces tyrosine 117 with aspartic acid.
Molecular consequence: missense variant.
Genome position (GRCh38, 1-based): chrX:47,199,483, T>G. VCF-style: chrX-47199483-T-G. GRCh37 (hg19) VCF-style: chrX-47058882-T-G.
Other names: c.349T>G, p.Tyr117Asp (NM_153280.3); short protein forms Y117D.
Identifiers: ClinVar variation 3464915 (VCV003464915.3).

ClinVar aggregate classification (germline): Uncertain significance. Review status: criteria provided, multiple submitters, no conflicts (2 of 4 stars). 3 submissions from 3 submitters: Uncertain significance (3). Last evaluated 2025-03-30.

Conditions:
Infantile-onset X-linked spinal muscular atrophy. Also called: Spinal muscular atrophy, X-linked 2; AMC, DISTAL, X-LINKED; ARTHROGRYPOSIS, X-LINKED, TYPE I; SPINAL MUSCULAR ATROPHY, X-LINKED LETHAL INFANTILE; Spinal Muscular Atrophy, X-Linked Infantile. Identifiers: Orphanet 1145, MedGen C1844934, MONDO:0010532, OMIM 301830.
Inborn genetic diseases. Identifiers: MedGen C0950123, MeSH D030342.
UBA1-related disorder. Also called: UBA1-related condition.

gnomAD v4.1: 5 of 1,210,144 alleles (0.00041%); highest among the groups gnomAD compares: Non-Finnish European, 0.00056%; no homozygotes.

Submissions (3):

Labcorp Genetics (formerly Invitae), Labcorp
Classification: Uncertain significance for Infantile-onset X-linked spinal muscular atrophy. Last evaluated: 2025-03-30. Review status: criteria provided, single submitter. Criteria: Invitae Variant Classification Sherloc (09022015). Collection method: clinical testing. Allele origin: germline.
Comment: This sequence change replaces tyrosine, which is neutral and polar, with aspartic acid, which is acidic and polar, at codon 117 of the UBA1 protein (p.Tyr117Asp). This variant is not present in population databases (gnomAD no frequency). This variant has not been reported in the literature in individuals affected with UBA1-related conditions. ClinVar contains an entry for this variant (Variation ID: 3464915). An algorithm developed to predict the effect of missense changes on protein structure and function (PolyPhen-2) suggests that this variant is likely to be disruptive. In summary, the available evidence is currently insufficient to determine the role of this variant in disease. Therefore, it has been classified as a Variant of Uncertain Significance.

Ambry Genetics
Classification: Uncertain significance for Inborn genetic diseases. Last evaluated: 2024-08-20. Review status: criteria provided, single submitter. Criteria: Ambry Variant Classification Scheme 2023. Collection method: clinical testing. Allele origin: germline.

Daryl Scott Lab, Baylor College of Medicine
Classification: Uncertain significance for UBA1-related disorder. Last evaluated: 2024-01-01. Review status: criteria provided, single submitter. Criteria: ACMG Guidelines, 2015. Collection method: clinical testing. Allele origin: paternal. Observed: 1 heterozygote.
Comment: PM2, PP3